The following is an entry in ClinVar:

ClinVar aggregate classification (germline): Uncertain significance. Review status: criteria provided, multiple submitters, no conflicts (2 of 4 stars). 2 submissions from 2 submitters: Uncertain significance (2). Last evaluated 2026-01-13.

Conditions:
Hereditary cancer-predisposing syndrome. Also called: Tumor predisposition; Neoplastic Syndromes, Hereditary; Hereditary Cancer Syndrome; Hereditary neoplastic syndrome. Identifiers: Orphanet 140162, MedGen C0027672, MeSH D009386, MONDO:0015356.

Submissions (2):

Ambry Genetics
Classification: Uncertain significance for Hereditary cancer-predisposing syndrome. Last evaluated: 2026-01-13. Review status: criteria provided, single submitter. Criteria: Ambry Variant Classification Scheme 2023. Collection method: clinical testing. Allele origin: germline.
Comment: The p.L417F variant (also known as c.1249C>T), located in coding exon 13 of the POLE gene, results from a C to T substitution at nucleotide position 1249. The leucine at codon 417 is replaced by phenylalanine, an amino acid with highly similar properties. This amino acid position is highly conserved in available vertebrate species. In addition, the in silico prediction for this alteration is inconclusive. Based on the available evidence, the clinical significance of this variant remains unclear.

Labcorp Genetics (formerly Invitae), Labcorp
Classification: Uncertain significance. Last evaluated: 2023-05-23. Review status: criteria provided, single submitter. Criteria: Invitae Variant Classification Sherloc (09022015). Collection method: clinical testing. Allele origin: germline.
Comment: This sequence change replaces leucine, which is neutral and non-polar, with phenylalanine, which is neutral and non-polar, at codon 417 of the POLE protein (p.Leu417Phe). This variant is not present in population databases (gnomAD no frequency). This variant has not been reported in the literature in individuals affected with POLE-related conditions. ClinVar contains an entry for this variant (Variation ID: 818707). Advanced modeling of protein sequence and biophysical properties (such as structural, functional, and spatial information, amino acid conservation, physicochemical variation, residue mobility, and thermodynamic stability) performed at Invitae indicates that this missense variant is expected to disrupt POLE protein function. In summary, the available evidence is currently insufficient to determine the role of this variant in disease. Therefore, it has been classified as a Variant of Uncertain Significance.

NM_006231.4(POLE):c.1249C>T (p.Leu417Phe)

Gene: POLE (DNA polymerase epsilon, catalytic subunit; minus strand). Cytogenetic location: 12q24.33.
Variant type: single nucleotide variant.
Coding change: c.1249C>T on transcript NM_006231.4 (MANE Select); coding-DNA position 1249, C replaced by T.
Protein change: p.Leu417Phe; replaces leucine 417 with phenylalanine.
Molecular consequence: missense variant.
Genome position (GRCh38, 1-based): chr12:132,673,685, G>A on the plus strand (C>T on the coding strand, the complement: POLE is on the minus strand). VCF-style: chr12-132673685-G-A. GRCh37 (hg19) VCF-style: chr12-133250271-G-A.
Other names: short protein forms L417F.
Identifiers: ClinVar variation 818707 (VCV000818707.8), dbSNP rs1593073432, ClinGen allele CA387359655.